The following is an entry in ClinVar:

ClinVar aggregate classification (germline): Likely benign. Review status: criteria provided, multiple submitters, no conflicts (2 of 4 stars). 3 submissions from 3 submitters: Likely benign (2). 1 of the submissions does not count toward it. Last evaluated 2026-09-01.

Conditions:
CDK12-related disorder. Also called: CDK12-related condition.

Allele frequency attached by ClinVar (database versions not stated): 1000 Genomes Project 0.00040; 1000 Genomes Project 30x 0.00078; ExAC 0.00141; TOPMed 0.00211; gnomAD 0.00216; ESP Exome Variant Server 0.00315; gnomAD exomes 0.00348.
gnomAD v4.1: 5,329 of 1,614,164 alleles (0.33%); highest among the groups gnomAD compares: Non-Finnish European, 0.43%; 6 homozygotes.

Submissions (3):

CeGaT Center for Human Genetics Tuebingen
Classification: Likely benign. Last evaluated: 2026-09-01. Review status: criteria provided, single submitter. Criteria: CeGaT Center For Human Genetics Tuebingen Variant Classification Criteria Version 2. Collection method: clinical testing. Allele origin: germline. Affected: yes. Observed: 1 variant allele.
Comment: CDK12: BP4, BP7

Ambry Genetics
Classification: Likely benign. Last evaluated: 2024-10-04. Review status: criteria provided, single submitter. Criteria: Ambry Variant Classification Scheme 2023. Collection method: clinical testing. Allele origin: germline.

PreventionGenetics, part of Exact Sciences
Classification: Likely benign for CDK12-related condition. Last evaluated: 2019-08-05. Review status: no assertion criteria provided. Collection method: clinical testing. Allele origin: germline. Not counted in ClinVar's aggregate classification.
Comment: This variant is classified as likely benign based on ACMG/AMP sequence variant interpretation guidelines (Richards et al. 2015 PMID: 25741868, with internal and published modifications).

NM_016507.4(CDK12):c.912C>G (p.Pro304=)

Genes: CDK12 (cyclin dependent kinase 12; plus strand), LOC126862553 (CDK7 strongly-dependent group 2 enhancer GRCh37_chr17:37618166-37619365; plus strand). Cytogenetic location: 17q12.
Variant type: single nucleotide variant.
Coding change: c.912C>G on transcript NM_016507.4 (MANE Select); coding-DNA position 912, C replaced by G.
Protein change: p.Pro304=; no amino-acid change (proline 304 retained).
Molecular consequence: synonymous variant.
Genome position (GRCh38, 1-based): chr17:39,462,983, C>G. VCF-style: chr17-39462983-C-G. GRCh37 (hg19) VCF-style: chr17-37619236-C-G.
Other names: c.912C>G (NM_016507.2); c.912C>G, p.Pro304= (NM_015083.4).
Identifiers: ClinVar variation 3035867 (VCV003035867.4), dbSNP rs56403491, ClinGen allele CA8531049.
Genomic context (GRCh38, chr17:39,462,983, plus strand): 5'-CTACCAGTCCAGCACCCGGTCACCGAGCCCCTACAGTAGGCGACAGAGATCTGTCAGTCC[C>G]TATAGCAGGAGACGGTCGTCCAGCTACGAAAGAAGTGGCTCTTACAGCGGGCGATCGCCC-3'
Protein context (NP_057591.2, residues 294-314): PYSRRQRSVS[Pro304=]YSRRRSSSYE